The following is an entry in ClinVar:

NM_001243279.3(ACSF3):c.1501+11G>A

Gene: ACSF3 (acyl-CoA synthetase family member 3; plus strand). Cytogenetic location: 16q24.3.
Variant type: single nucleotide variant.
Coding change: c.1501+11G>A on transcript NM_001243279.3 (MANE Select); 11 bases into the intron after coding-DNA position 1501, G replaced by A.
Molecular consequence: intron variant.
Genome position (GRCh38, 1-based): chr16:89,145,412, G>A. VCF-style: chr16-89145412-G-A. GRCh37 (hg19) VCF-style: chr16-89211820-G-A.
Other names: c.1501+11G>A (NM_001127214.4, NM_174917.5); c.706+11G>A (NM_001284316.2).
Identifiers: ClinVar variation 389354 (VCV000389354.4), dbSNP rs770771724, ClinGen allele CA8238243.

ClinVar aggregate classification (germline): Likely benign. Review status: criteria provided, multiple submitters, no conflicts (2 of 4 stars). 2 submissions from 2 submitters: Likely benign (2). Last evaluated 2023-12-29.

Conditions:
Combined malonic and methylmalonic acidemia. Identifiers: Orphanet 289504, MedGen C3280314, MONDO:0013661, OMIM 614265.

Allele frequency attached by ClinVar (database versions not stated): gnomAD exomes 0.00001 and 0.00004; gnomAD 0.00003; ExAC 0.00004; TOPMed 0.00005.
gnomAD v4.1: 26 of 1,613,758 alleles (0.0016%); highest among the groups gnomAD compares: African/African-American, 0.008%; no homozygotes.

Submissions (2):

Labcorp Genetics (formerly Invitae), Labcorp
Classification: Likely benign for Combined malonic and methylmalonic acidemia. Last evaluated: 2023-12-29. Review status: criteria provided, single submitter. Criteria: Invitae Variant Classification Sherloc (09022015). Collection method: clinical testing. Allele origin: germline.

GeneDx
Classification: Likely benign. Last evaluated: 2016-09-28. Review status: criteria provided, single submitter. Criteria: GeneDx Variant Classification (06012015). Collection method: clinical testing. Allele origin: germline. Affected: yes.
Comment: This variant is considered likely benign or benign based on one or more of the following criteria: it is a conservative change, it occurs at a poorly conserved position in the protein, it is predicted to be benign by multiple in silico algorithms, and/or has population frequency not consistent with disease.